The following is an entry in ClinVar:

ClinVar aggregate classification (germline): Likely pathogenic (1 of 4 stars; one submission).

Conditions:
TH-deficient dopa-responsive dystonia. Also called: Tyrosine Hydroxylase-Deficient Dopa-Responsive Dystonia; Segawa syndrome, autosomal recessive; DYT-TH. Identifiers: Orphanet 101150, MedGen C2673535, MONDO:0011551, OMIM 605407.

Submission:

Labcorp Genetics (formerly Invitae), Labcorp
Classification: Likely pathogenic for TH-deficient dopa-responsive dystonia. Last evaluated: 2022-07-11. Review status: criteria provided, single submitter. Criteria: Invitae Variant Classification Sherloc (09022015). Collection method: clinical testing. Allele origin: germline.
Comment: In summary, the currently available evidence indicates that the variant is pathogenic, but additional data are needed to prove that conclusively. Therefore, this variant has been classified as Likely Pathogenic. Algorithms developed to predict the effect of sequence changes on RNA splicing suggest that this variant may disrupt the consensus splice site. This variant has not been reported in the literature in individuals affected with TH-related conditions. This variant is not present in population databases (gnomAD no frequency). This sequence change affects an acceptor splice site in intron 5 of the TH gene. It is expected to disrupt RNA splicing. Variants that disrupt the donor or acceptor splice site typically lead to a loss of protein function (PMID: 16199547), and loss-of-function variants in TH are known to be pathogenic (PMID: 22264700, 24753243).

Literature cited by the submitters: PubMed 16199547; PubMed 22264700; PubMed 24753243.

NM_000360.4(TH):c.577-2A>T

Gene: TH (tyrosine hydroxylase; minus strand). Cytogenetic location: 11p15.5.
Variant type: single nucleotide variant.
Coding change: c.577-2A>T on transcript NM_000360.4 (MANE Select); the canonical splice acceptor site of the intron before coding-DNA position 577, A replaced by T.
Molecular consequence: splice acceptor variant.
Genome position (GRCh38, 1-based): chr11:2,167,935, T>A on the plus strand (A>T on the coding strand, the complement: TH is on the minus strand). VCF-style: chr11-2167935-T-A. GRCh37 (hg19) VCF-style: chr11-2189165-T-A.
Other names: c.658-2A>T (NM_199293.3); c.670-2A>T (NM_199292.3).
Identifiers: ClinVar variation 2015981 (VCV002015981.4), dbSNP rs2495816041, ClinGen allele CA379128270.